The following is an entry in ClinVar:

NM_004416.3(DTX1):c.831A>G (p.Pro277=)

Gene: DTX1 (deltex E3 ubiquitin ligase 1; plus strand). Cytogenetic location: 12q24.13.
Variant type: single nucleotide variant.
Coding change: c.831A>G on transcript NM_004416.3 (MANE Select); coding-DNA position 831, A replaced by G.
Protein change: p.Pro277=; no amino-acid change (proline 277 retained).
Molecular consequence: synonymous variant.
Genome position (GRCh38, 1-based): chr12:113,077,995, A>G. VCF-style: chr12-113077995-A-G. GRCh37 (hg19) VCF-style: chr12-113515800-A-G.
Identifiers: ClinVar variation 2643346 (VCV002643346.24), dbSNP rs972390216, ClinGen allele CA243748346.

ClinVar aggregate classification (germline): Likely benign (1 of 4 stars; one submission).

Allele frequency attached by ClinVar (database versions not stated): 1000 Genomes Project 30x 0.00016.
gnomAD v4.1: 91 of 1,083,494 alleles (0.0084%); highest among the groups gnomAD compares: Middle Eastern, 0.041%; no homozygotes.

Submission:

CeGaT Center for Human Genetics Tuebingen
Classification: Likely benign. Last evaluated: 2023-09-01. Review status: criteria provided, single submitter. Criteria: CeGaT Center For Human Genetics Tuebingen Variant Classification Criteria Version 2. Collection method: clinical testing. Allele origin: germline. Affected: yes. Observed: 1 variant allele.
Comment: DTX1: BP4, BP7